The following is an entry in ClinVar:

NM_015272.5(RPGRIP1L):c.2118A>C (p.Lys706Asn)

Gene: RPGRIP1L (RPGRIP1 like; minus strand). Cytogenetic location: 16q12.2.
Variant type: single nucleotide variant.
Coding change: c.2118A>C on transcript NM_015272.5 (MANE Select); coding-DNA position 2118, A replaced by C.
Protein change: p.Lys706Asn; replaces lysine 706 with asparagine.
Molecular consequence: missense variant.
Genome position (GRCh38, 1-based): chr16:53,652,569, T>G on the plus strand (A>C on the coding strand, the complement: RPGRIP1L is on the minus strand). VCF-style: chr16-53652569-T-G. GRCh37 (hg19) VCF-style: chr16-53686481-T-G.
Other names: c.2118A>C, p.Lys706Asn (NM_001127897.4, NM_001308334.3, NM_001330538.2); c.2118A>C (NM_015272.2); short protein forms K706N.
Identifiers: ClinVar variation 1351355 (VCV001351355.6), dbSNP rs759934290, ClinGen allele CA8057638.

ClinVar aggregate classification (germline): Uncertain significance. Review status: criteria provided, multiple submitters, no conflicts (2 of 4 stars). 3 submissions from 3 submitters: Uncertain significance (3). Last evaluated 2023-05-05.

Conditions:
Meckel syndrome, type 5 (MKS5). Identifiers: Orphanet 564, MedGen C1969052, MONDO:0012695, OMIM 611561.
COACH syndrome 3. Identifiers: MedGen C5436841, MONDO:0030862, OMIM 619113.
Joubert syndrome 7 (JBTS7). Identifiers: Orphanet 220497, MedGen C1969053, MONDO:0012694, OMIM 611560.
Inborn genetic diseases. Identifiers: MedGen C0950123, MeSH D030342.
Joubert syndrome. Also called: CEREBELLOPARENCHYMAL DISORDER IV; JOUBERT-BOLTSHAUSER SYNDROME; Familial aplasia of the vermis. Identifiers: Orphanet 475, MedGen C5979921, MONDO:0018772.
Meckel-Gruber syndrome. Also called: DYSENCEPHALIA SPLANCHNOCYSTICA; GRUBER SYNDROME; Dysencephalia splachnocystica. Identifiers: Orphanet 564, MedGen C0265215, MONDO:0018921.

Allele frequency attached by ClinVar (database versions not stated): ExAC 0.00001; gnomAD 0.00001; gnomAD exomes 0.00001 and 0.00002; TOPMed 0.00001.
gnomAD v4.1: 17 of 1,613,976 alleles (0.0011%); highest among the groups gnomAD compares: Non-Finnish European, 0.0014%; no homozygotes.

Submissions (3):

Ambry Genetics
Classification: Uncertain significance for Inborn genetic diseases. Last evaluated: 2023-05-05. Review status: criteria provided, single submitter. Criteria: Ambry Variant Classification Scheme 2023. Collection method: clinical testing. Allele origin: germline.

Fulgent Genetics
Classification: Uncertain significance for Joubert syndrome 7; Meckel syndrome, type 5; COACH syndrome 3. Last evaluated: 2021-12-27. Review status: criteria provided, single submitter. Criteria: ACMG Guidelines, 2015. Collection method: clinical testing. Allele origin: unknown.

Labcorp Genetics (formerly Invitae), Labcorp
Classification: Uncertain significance for Joubert syndrome; Meckel-Gruber syndrome. Last evaluated: 2021-11-20. Review status: criteria provided, single submitter. Criteria: Invitae Variant Classification Sherloc (09022015). Collection method: clinical testing. Allele origin: germline.
Comment: This sequence change replaces lysine, which is basic and polar, with asparagine, which is neutral and polar, at codon 706 of the RPGRIP1L protein (p.Lys706Asn). This variant is present in population databases (rs759934290, gnomAD 0.004%). This variant has not been reported in the literature in individuals affected with RPGRIP1L-related conditions. Algorithms developed to predict the effect of missense changes on protein structure and function (SIFT, PolyPhen-2, Align-GVGD) all suggest that this variant is likely to be tolerated. In summary, the available evidence is currently insufficient to determine the role of this variant in disease. Therefore, it has been classified as a Variant of Uncertain Significance.